The following is an entry in ClinVar:

ClinVar aggregate classification (germline): Uncertain significance (1 of 4 stars; one submission).

Conditions:
Congenital myasthenic syndrome 8. Also called: MYASTHENIC SYNDROME, CONGENITAL, DUE TO AGRIN DEFICIENCY; Myasthenic syndrome, congenital, 8, with pre- and postsynaptic defects. Identifiers: Orphanet 590, MedGen C3808739, MONDO:0014052, OMIM 615120.

gnomAD v4.1: 1 of 1,611,596 alleles (0.000062%); highest among the groups gnomAD compares: Admixed American, 0.0017%; no homozygotes.

Submission:

Labcorp Genetics (formerly Invitae), Labcorp
Classification: Uncertain significance for Congenital myasthenic syndrome 8. Last evaluated: 2024-04-27. Review status: criteria provided, single submitter. Criteria: Invitae Variant Classification Sherloc (09022015). Collection method: clinical testing. Allele origin: germline.
Comment: This sequence change replaces asparagine, which is neutral and polar, with lysine, which is basic and polar, at codon 483 of the AGRN protein (p.Asn483Lys). This variant is not present in population databases (gnomAD no frequency). This variant has not been reported in the literature in individuals affected with AGRN-related conditions. An algorithm developed to predict the effect of missense changes on protein structure and function (PolyPhen-2) suggests that this variant is likely to be disruptive. In summary, the available evidence is currently insufficient to determine the role of this variant in disease. Therefore, it has been classified as a Variant of Uncertain Significance.

NM_198576.4(AGRN):c.1449C>A (p.Asn483Lys)

Gene: AGRN (agrin; plus strand). Cytogenetic location: 1p36.33.
Variant type: single nucleotide variant.
Coding change: c.1449C>A on transcript NM_198576.4 (MANE Select); coding-DNA position 1449, C replaced by A.
Protein change: p.Asn483Lys; replaces asparagine 483 with lysine.
Molecular consequence: missense variant.
Genome position (GRCh38, 1-based): chr1:1,043,303, C>A. VCF-style: chr1-1043303-C-A. GRCh37 (hg19) VCF-style: chr1-978683-C-A.
Other names: c.1449C>A, p.Asn483Lys (NM_001305275.2); c.1134C>A, p.Asn378Lys (NM_001364727.2); short protein forms N378K, N483K.
Identifiers: ClinVar variation 3697420 (VCV003697420.2).